The following is an entry in ClinVar:

ClinVar aggregate classification (germline): Pathogenic (1 of 4 stars; one submission).

Conditions:
Neurofibromatosis, type 1 (NF1). Also called: NEUROFIBROMATOSIS, TYPE I, SOMATIC; VON RECKLINGHAUSEN DISEASE; Peripheral type neurofibromatosis; Neurofibromatosis, type I. Identifiers: Orphanet 636, MedGen C0027831, MONDO:0018975, OMIM 162200. Disease mechanism: loss of function.

Submission:

Labcorp Genetics (formerly Invitae), Labcorp
Classification: Pathogenic for Neurofibromatosis, type 1. Last evaluated: 2021-07-17. Review status: criteria provided, single submitter. Criteria: Invitae Variant Classification Sherloc (09022015). Collection method: clinical testing. Allele origin: germline.
Comment: This sequence change creates a premature translational stop signal (p.His501Cysfs*9) in the NF1 gene. It is expected to result in an absent or disrupted protein product. Loss-of-function variants in NF1 are known to be pathogenic (PMID: 10712197, 23913538). This variant is not present in population databases (ExAC no frequency). This variant has not been reported in the literature in individuals affected with NF1-related conditions. For these reasons, this variant has been classified as Pathogenic.

Literature cited by the submitters: PubMed 10712197; PubMed 23913538.

NM_001042492.3(NF1):c.1500_1501del (p.His501fs)

Gene: NF1 (neurofibromin 1; plus strand). Cytogenetic location: 17q11.2.
Variant type: Deletion.
Coding change: c.1500_1501del on transcript NM_001042492.3 (MANE Select); coding-DNA positions 1500 to 1501, 2 bases deleted (TC; older notation c.1500_1501delTC).
Protein change: p.His501fs; shifts the reading frame from histidine 501.
Molecular consequence: frameshift variant.
Genome position (GRCh38, 1-based): chr17:31,214,558-31,214,559, TC deleted. VCF-style (leftmost placement, unchanged base first): chr17-31214557-TTC-T. GRCh37 (hg19) VCF-style: chr17-29541575-TTC-T.
Other names: c.1500_1501delTC, p.His501Cysfs (NM_000267.4); c.1500_1501del, p.His501fs (NM_001128147.3); short protein forms H501fs.
Identifiers: ClinVar variation 1452366 (VCV001452366.6), dbSNP rs2143960301, ClinGen allele CA2573153645.